The following is an entry in ClinVar:

ClinVar aggregate classification (germline): Uncertain significance (1 of 4 stars; one submission).

Submission:

GeneDx
Classification: Uncertain significance. Last evaluated: 2024-06-12. Review status: criteria provided, single submitter. Criteria: GeneDx Variant Classification Process June 2021. Collection method: clinical testing. Allele origin: germline. Affected: yes.
Comment: Not observed at significant frequency in large population cohorts (gnomAD); In silico analysis supports that this missense variant has a deleterious effect on protein structure/function; Has not been previously published as pathogenic or benign to our knowledge

NM_000075.4(CDK4):c.395A>G (p.His132Arg)

Gene: CDK4 (cyclin dependent kinase 4; minus strand). Cytogenetic location: 12q14.1.
Variant type: single nucleotide variant.
Coding change: c.395A>G on transcript NM_000075.4 (MANE Select); coding-DNA position 395, A replaced by G.
Protein change: p.His132Arg; replaces histidine 132 with arginine.
Molecular consequence: missense variant.
Genome position (GRCh38, 1-based): chr12:57,751,050, T>C on the plus strand (A>G on the coding strand, the complement: CDK4 is on the minus strand). VCF-style: chr12-57751050-T-C. GRCh37 (hg19) VCF-style: chr12-58144833-T-C.
Other names: short protein forms H132R.
Identifiers: ClinVar variation 3390836 (VCV003390836.1).
Genomic context (GRCh38, chr12:57,751,050, plus strand): 5'-CCACCACTTGTCACCAGAATGTTCTCTGGCTTCAGATCTCGGTGAACGATGCAATTGGCA[T>C]GAAGGAAATCTAGGCCTCTTAGAAACTGGCGCATCAGATCCTAGTTTCAAAGGGGAGGTA-3'
Protein context (NP_000066.1, residues 122-142): RQFLRGLDFL[His132Arg]ANCIVHRDLK